The following is an entry in ClinVar:

ClinVar aggregate classification (germline): Pathogenic (1 of 4 stars; one submission).

Submission:

GeneDx
Classification: Pathogenic. Last evaluated: 2024-12-17. Review status: criteria provided, single submitter. Criteria: GeneDx Variant Classification Process June 2021. Collection method: clinical testing. Allele origin: germline. Affected: yes.
Comment: Nonsense variant predicted to result in protein truncation or nonsense mediated decay in a gene for which loss of function is a known mechanism of disease; Not observed at significant frequency in large population cohorts (gnomAD); This variant is associated with the following publications: (PMID: 34331327)

NM_138927.4(SON):c.5761C>T (p.Arg1921Ter)

Gene: SON (SON DNA and RNA binding protein; plus strand). Cytogenetic location: 21q22.11.
Variant type: single nucleotide variant.
Coding change: c.5761C>T on transcript NM_138927.4 (MANE Select); coding-DNA position 5761, C replaced by T.
Protein change: p.Arg1921Ter; replaces arginine 1921 with a stop codon.
Molecular consequence: nonsense. On other transcripts: non-coding transcript variant (1), intron variant (1).
Genome position (GRCh38, 1-based): chr21:33,554,992, C>T. VCF-style: chr21-33554992-C-T. GRCh37 (hg19) VCF-style: chr21-34927298-C-T.
Other names: c.5761C>T, p.Arg1921Ter (NM_001291411.2, NM_032195.3); c.245-2164C>T (NM_001291412.3); short protein forms R1921*.
Identifiers: ClinVar variation 3906507 (VCV003906507.1).
Genomic context (GRCh38, chr21:33,554,992, plus strand): 5'-TCTAGGGAAAGAAAAAGAAAAAGATCAAGCTCCAGGGATAACCGAAAGACAGTTAGAGCT[C>T]GAAGTCGAACCCCAAGTCGTCGGAGTCGGAGTCATACTCCAAGTCGTCGACGAAGGTCTA-3'